The following is an entry in ClinVar:

NM_003114.5(SPAG1):c.1057A>G (p.Lys353Glu)

Gene: SPAG1 (sperm associated antigen 1; plus strand). Cytogenetic location: 8q22.2.
Variant type: single nucleotide variant.
Coding change: c.1057A>G on transcript NM_003114.5 (MANE Select); coding-DNA position 1057, A replaced by G.
Protein change: p.Lys353Glu; replaces lysine 353 with glutamic acid.
Molecular consequence: missense variant.
Genome position (GRCh38, 1-based): chr8:100,194,229, A>G. VCF-style: chr8-100194229-A-G. GRCh37 (hg19) VCF-style: chr8-101206457-A-G.
Other names: c.1057A>G, p.Lys353Glu (NM_001374321.1, NM_172218.3); short protein forms K353E.
Identifiers: ClinVar variation 474646 (VCV000474646.16), dbSNP rs556774863, ClinGen allele CA4827427.
Genomic context (GRCh38, chr8:100,194,229, plus strand): 5'-CAAACCAAAGGGAAAAGGATGGTTATTCAGGAAATAGAAAACTCCGAAGATGAAGAAGGA[A>G]AAAGCGGAAGAAAACATGAAGATGGCGGTGGAGATAAGAGTAAAATATTTTTTCTATTTA-3'
Protein context (NP_003105.2, residues 343-363): EIENSEDEEG[Lys353Glu]SGRKHEDGGG

ClinVar aggregate classification (germline): Benign/Likely benign. Review status: criteria provided, multiple submitters, no conflicts (2 of 4 stars). 4 submissions from 4 submitters: Benign (1); Likely benign (2). 1 of the submissions does not count toward it. Last evaluated 2026-01-08.

Conditions:
SPAG1-related disorder. Also called: SPAG1-related condition.
Primary ciliary dyskinesia 28. Also called: CILIARY DYSKINESIA, PRIMARY, 28, WITH OR WITHOUT SITUS INVERSUS. Identifiers: Orphanet 244, MedGen C3809706, MONDO:0014216, OMIM 615505.
Primary ciliary dyskinesia. Also called: Ciliary dyskinesia. Identifiers: Orphanet 244, MedGen C0008780, MONDO:0016575, HP:0012265.

Allele frequency attached by ClinVar (database versions not stated): gnomAD exomes 0.00009 and 0.00046; gnomAD 0.00024 and 0.00029; TOPMed 0.00033; ExAC 0.00037; 1000 Genomes Project 0.00140; 1000 Genomes Project 30x 0.00234.
gnomAD v4.1: 195 of 1,603,546 alleles (0.012%); highest among the groups gnomAD compares: East Asian, 0.31%; 1 homozygote.

Submissions (4):

Labcorp Genetics (formerly Invitae), Labcorp
Classification: Likely benign for Primary ciliary dyskinesia 28. Last evaluated: 2026-01-08. Review status: criteria provided, single submitter. Criteria: Invitae Variant Classification Sherloc (09022015). Collection method: clinical testing. Allele origin: germline.

Fulgent Genetics
Classification: Likely benign for Primary ciliary dyskinesia 28. Last evaluated: 2022-05-03. Review status: criteria provided, single submitter. Criteria: ACMG Guidelines, 2015. Collection method: clinical testing. Allele origin: unknown.

Ambry Genetics
Classification: Benign for Primary ciliary dyskinesia. Last evaluated: 2018-06-22. Review status: criteria provided, single submitter. Criteria: Ambry Variant Classification Scheme 2023. Collection method: clinical testing. Allele origin: germline.

PreventionGenetics, part of Exact Sciences
Classification: Likely benign for SPAG1-related condition. Last evaluated: 2019-06-18. Review status: no assertion criteria provided. Collection method: clinical testing. Allele origin: germline. Not counted in ClinVar's aggregate classification.
Comment: This variant is classified as likely benign based on ACMG/AMP sequence variant interpretation guidelines (Richards et al. 2015 PMID: 25741868, with internal and published modifications).